The following is an entry in ClinVar:

ClinVar aggregate classification (germline): Uncertain significance (1 of 4 stars; one submission).

Allele frequency attached by ClinVar (database versions not stated): gnomAD 0.00004 and 0.00005; TOPMed 0.00004; 1000 Genomes Project 30x 0.00016; 1000 Genomes Project 0.00020.
gnomAD v4.1: 7 of 152,072 alleles (0.0046%); highest among the groups gnomAD compares: East Asian, 0.019%; no homozygotes.

Submission:

Foulkes Cancer Genetics LDI, Lady Davis Institute for Medical Research
Classification: Uncertain significance. Last evaluated: 2019-07-01. Review status: criteria provided, single submitter. Criteria: ACMG Guidelines, 2015. Collection method: curation. Allele origin: germline. Affected: yes. Observed: 1 variant allele.
Comment: ACMG criteria met: None

Literature cited by the submitters: PubMed 25526195.

NM_177438.3(DICER1):c.1377-205C>T

Gene: DICER1 (dicer 1, ribonuclease III; minus strand). Cytogenetic location: 14q32.13.
Variant type: single nucleotide variant.
Coding change: c.1377-205C>T on transcript NM_177438.3 (MANE Select); 205 bases into the intron before coding-DNA position 1377, C replaced by T.
Molecular consequence: intron variant.
Genome position (GRCh38, 1-based): chr14:95,117,959, G>A on the plus strand (C>T on the coding strand, the complement: DICER1 is on the minus strand). VCF-style: chr14-95117959-G-A. GRCh37 (hg19) VCF-style: chr14-95584296-G-A.
Other names: c.1377-205C>T (NM_001291628.2, NM_030621.4, NM_001271282.3 and 1 more transcripts).
Identifiers: ClinVar variation 933095 (VCV000933095.2), dbSNP rs577527470, ClinGen allele CA265917508.